The following is an entry in ClinVar:

ClinVar aggregate classification (germline): Likely pathogenic (1 of 4 stars; one submission).

Submission:

Labcorp Genetics (formerly Invitae), Labcorp
Classification: Likely pathogenic. Last evaluated: 2025-06-05. Review status: criteria provided, single submitter. Criteria: Invitae Variant Classification Sherloc (09022015). Collection method: clinical testing. Allele origin: germline.
Comment: This variant results in the deletion of part of exon 15 (c.1451-153_1516delinsGTTAAAGAA) of the UBE3B gene. It is expected to disrupt RNA splicing. Variants that disrupt the donor or acceptor splice site typically lead to a loss of protein function (PMID: 16199547), and loss-of-function variants in UBE3B are known to be pathogenic (PMID: 23687348, 24615390). This variant has not been reported in the literature in individuals affected with UBE3B-related conditions. In summary, the currently available evidence indicates that the variant is pathogenic, but additional data are needed to prove that conclusively. Therefore, this variant has been classified as Likely Pathogenic.

Literature cited by the submitters: PubMed 16199547; PubMed 23687348; PubMed 24615390.

NM_130466.4(UBE3B):c.1451-153_1516delinsGTTAAAGAA

Gene: UBE3B (ubiquitin protein ligase E3B; plus strand). Cytogenetic location: 12q24.11.
Variant type: Indel.
Coding change: c.1451-153_1516delinsGTTAAAGAA on transcript NM_130466.4 (MANE Select); 153 bases into the intron before coding-DNA position 1451 through coding-DNA position 1516, the reference bases replaced by GTTAAAGAA.
Molecular consequence: splice acceptor variant.
Genome position (GRCh38, 1-based): chr12:109,507,411-109,507,629, 219 bases replaced. GRCh37 (hg19): chr12:109,945,216-109,945,434.
Other names: c.1451-153_1516delinsGTTAAAGAA (NM_183415.3).
Identifiers: ClinVar variation 2851223 (VCV002851223.3), dbSNP rs2548522797, ClinGen allele CA2739277295.